The following is an entry in ClinVar:

ClinVar aggregate classification (germline): Uncertain significance (1 of 4 stars; one submission).

Submission:

Labcorp Genetics (formerly Invitae), Labcorp
Classification: Uncertain significance. Last evaluated: 2024-07-20. Review status: criteria provided, single submitter. Criteria: Invitae Variant Classification Sherloc (09022015). Collection method: clinical testing. Allele origin: germline.
Comment: This sequence change replaces leucine, which is neutral and non-polar, with phenylalanine, which is neutral and non-polar, at codon 539 of the COL4A1 protein (p.Leu539Phe). This variant is not present in population databases (gnomAD no frequency). This variant has not been reported in the literature in individuals affected with COL4A1-related conditions. ClinVar contains an entry for this variant (Variation ID: 2152227). An algorithm developed to predict the effect of missense changes on protein structure and function (PolyPhen-2) suggests that this variant is likely to be tolerated. In summary, the available evidence is currently insufficient to determine the role of this variant in disease. Therefore, it has been classified as a Variant of Uncertain Significance.

NM_001845.6(COL4A1):c.1615C>T (p.Leu539Phe)

Gene: COL4A1 (collagen type IV alpha 1 chain; minus strand). Cytogenetic location: 13q34.
Variant type: single nucleotide variant.
Coding change: c.1615C>T on transcript NM_001845.6 (MANE Select); coding-DNA position 1615, C replaced by T.
Protein change: p.Leu539Phe; replaces leucine 539 with phenylalanine.
Molecular consequence: missense variant.
Genome position (GRCh38, 1-based): chr13:110,187,251, G>A on the plus strand (C>T on the coding strand, the complement: COL4A1 is on the minus strand). VCF-style: chr13-110187251-G-A. GRCh37 (hg19) VCF-style: chr13-110839598-G-A.
Other names: short protein forms L539F.
Identifiers: ClinVar variation 2152227 (VCV002152227.4), dbSNP rs2501800753, ClinGen allele CA388723078.